The following is an entry in ClinVar:

NC_000023.10:g.(?_53460649)_(53461312_?)dup

Gene: HSD17B10 (hydroxysteroid 17-beta dehydrogenase 10; minus strand). Cytogenetic location: Xp11.22.
Variant type: Duplication.
Identifiers: ClinVar variation 832609 (VCV000832609.5).

ClinVar aggregate classification (germline): Uncertain significance (1 of 4 stars; one submission).

Submission:

Labcorp Genetics (formerly Invitae), Labcorp
Classification: Uncertain significance. Last evaluated: 2019-01-04. Review status: criteria provided, single submitter. Criteria: Invitae Variant Classification Sherloc (09022015). Collection method: clinical testing. Allele origin: germline.
Comment: In summary, the available evidence is currently insufficient to determine the role of this variant in disease. Therefore, it has been classified as a Variant of Uncertain Significance. This variant has not been reported in the literature in individuals with HSD17B10-related conditions. This variant results in a copy number gain of the genomic region encompassing exons 1-2 of the HSD17B10 gene. The 5' end of this event is unknown as it extends beyond the assayed region for this gene and therefore may encompass additional genes. The 3' boundary is likely confined to intron 2 of the HSD17B10 gene. As the precise location of this event is unknown, it may be in tandem or it may be located elsewhere in the genome.